The following is an entry in ClinVar:

NM_080680.3(COL11A2):c.4922G>A (p.Arg1641Gln)

Gene: COL11A2 (collagen type XI alpha 2 chain; minus strand). Cytogenetic location: 6p21.32.
Variant type: single nucleotide variant.
Coding change: c.4922G>A on transcript NM_080680.3 (MANE Select); coding-DNA position 4922, G replaced by A.
Protein change: p.Arg1641Gln; replaces arginine 1641 with glutamine.
Molecular consequence: missense variant.
Genome position (GRCh38, 1-based): chr6:33,164,415, C>T on the plus strand (G>A on the coding strand, the complement: COL11A2 is on the minus strand). VCF-style: chr6-33164415-C-T. GRCh37 (hg19) VCF-style: chr6-33132192-C-T.
Other names: c.4601G>A, p.Arg1534Gln (NM_080679.3); c.4664G>A, p.Arg1555Gln (NM_080681.3); short protein forms R1534Q, R1555Q, R1641Q.
Identifiers: ClinVar variation 1429413 (VCV001429413.7), dbSNP rs776247728, ClinGen allele CA3749955.

ClinVar aggregate classification (germline): Conflicting classifications of pathogenicity. Review status: criteria provided, conflicting classifications (1 of 4 stars). 2 submissions from 2 submitters: Uncertain significance (1); Likely benign (1). Last evaluated 2025-12-15.

Allele frequency attached by ClinVar (database versions not stated): gnomAD exomes below 0.00001 and 0.00001; gnomAD 0.00001; TOPMed 0.00001; ExAC 0.00002.
gnomAD v4.1: 9 of 1,598,268 alleles (0.00056%); highest among the groups gnomAD compares: East Asian, 0.0045%; no homozygotes.

Submissions (2):

Women's Health and Genetics/Laboratory Corporation of America, LabCorp
Classification: Uncertain significance. Last evaluated: 2025-12-15. Review status: criteria provided, single submitter. Criteria: LabCorp Variant Classification Summary - May 2015. Collection method: clinical testing. Allele origin: germline.
Comment: Variant summary: COL11A2 c.4922G>A (p.Arg1641Gln) results in a conservative amino acid change in the encoded protein sequence. Algorithms developed to predict the effect of missense changes on protein structure and function are either unavailable or do not agree on the potential impact of this missense change. The variant allele was found at a frequency of 4.5e-06 in 220016 control chromosomes. The available data on variant occurrences in the general population are insufficient to allow any conclusion about variant significance. To our knowledge, no occurrence of c.4922G>A in individuals affected with COL11A2-related conditions and no experimental evidence demonstrating its impact on protein function have been reported. ClinVar contains an entry for this variant (Variation ID: 1429413). Based on the evidence outlined above, the variant was classified as uncertain significance.

Labcorp Genetics (formerly Invitae), Labcorp
Classification: Likely benign. Last evaluated: 2023-11-06. Review status: criteria provided, single submitter. Criteria: Invitae Variant Classification Sherloc (09022015). Collection method: clinical testing. Allele origin: germline.